The following is an entry in ClinVar:

ClinVar aggregate classification (germline): Likely benign (1 of 4 stars; one submission).

Conditions:
Juvenile polyposis syndrome (JPS). Identifiers: Orphanet 2929, MedGen C0345893, MONDO:0017380, OMIM 174900.

Submission:

Myriad Genetics, Inc.
Classification: Likely benign for Juvenile polyposis syndrome. Last evaluated: 2024-08-07. Review status: criteria provided, single submitter. Criteria: Myriad Autosomal Dominant, Autosomal Recessive and X-Linked Classification Criteria (2023). Collection method: clinical testing. Allele origin: unknown.
Comment: This variant is considered likely benign. This variant is intronic and is not expected to impact mRNA splicing.

NM_004329.3(BMPR1A):c.1343-12_1343-9del

Gene: BMPR1A (bone morphogenetic protein receptor type 1A; plus strand). Cytogenetic location: 10q23.2.
Variant type: Deletion.
Coding change: c.1343-12_1343-9del on transcript NM_004329.3 (MANE Select); 12 bases into the intron before coding-DNA position 1343 through 9 bases into the intron before coding-DNA position 1343, 4 bases deleted (ATTC; older notation c.1343-12_1343-9delATTC).
Molecular consequence: intron variant.
Genome position (GRCh38, 1-based): chr10:86,923,364-86,923,367, ATTC deleted; deleting any 4 consecutive bases within chr10:86,923,362-86,923,367 gives the same sequence; the c. name uses the placement nearest the transcript's 3' end. VCF-style (leftmost placement, unchanged base first): chr10-86923361-CTCAT-C. GRCh37 (hg19) VCF-style: chr10-88683118-CTCAT-C.
Other names: c.1343-12_1343-9del (NM_001406562.1, NM_001406568.1, NM_001406567.1 and 19 more transcripts); c.1259-12_1259-9del (NM_001406584.1, NM_001406588.1, NM_001406587.1 and 2 more transcripts); c.1391-12_1391-9del (NM_001406560.1); c.1418-12_1418-9del (NM_001406559.1); c.1337-12_1337-9del (NM_001406583.1); c.1001-12_1001-9del (NM_001406589.1).
Identifiers: ClinVar variation 3379012 (VCV003379012.1).